The following is an entry in ClinVar:

ClinVar aggregate classification (germline): Uncertain significance (1 of 4 stars; one submission).

Conditions:
Immunodeficiency 35 (IMD35). Also called: TYK2 DEFICIENCY; Susceptibility to infection due to TYK2 deficiency; HIES WITH ATYPICAL MYCOBACTERIOSIS, AUTOSOMAL RECESSIVE; HYPER-IgE SYNDROME WITH ATYPICAL MYCOBACTERIOSIS, AUTOSOMAL RECESSIVE. Identifiers: Orphanet 331226, MedGen C1969086, MONDO:0012682, OMIM 611521.

Allele frequency attached by ClinVar (database versions not stated): gnomAD exomes below 0.00001; TOPMed below 0.00001; ExAC 0.00001; gnomAD 0.00001.
gnomAD v4.1: 1 of 1,614,008 alleles (0.000062%); highest among the groups gnomAD compares: African/African-American, 0.0013%; no homozygotes.

Submission:

Labcorp Genetics (formerly Invitae), Labcorp
Classification: Uncertain significance for Immunodeficiency 35. Last evaluated: 2025-01-13. Review status: criteria provided, single submitter. Criteria: Invitae Variant Classification Sherloc (09022015). Collection method: clinical testing. Allele origin: germline.
Comment: This sequence change replaces leucine, which is neutral and non-polar, with valine, which is neutral and non-polar, at codon 403 of the TYK2 protein (p.Leu403Val). This variant is present in population databases (rs774318353, gnomAD 0.007%). This variant has not been reported in the literature in individuals affected with TYK2-related conditions. ClinVar contains an entry for this variant (Variation ID: 851330). An algorithm developed to predict the effect of missense changes on protein structure and function (PolyPhen-2) suggests that this variant is likely to be tolerated. Algorithms developed to predict the effect of sequence changes on RNA splicing suggest that this variant may disrupt the consensus splice site. In summary, the available evidence is currently insufficient to determine the role of this variant in disease. Therefore, it has been classified as a Variant of Uncertain Significance.

NM_003331.5(TYK2):c.1207C>G (p.Leu403Val)

Gene: TYK2 (tyrosine kinase 2; minus strand). Cytogenetic location: 19p13.2.
Variant type: single nucleotide variant.
Coding change: c.1207C>G on transcript NM_003331.5 (MANE Select); coding-DNA position 1207, C replaced by G.
Protein change: p.Leu403Val; replaces leucine 403 with valine.
Molecular consequence: missense variant.
Genome position (GRCh38, 1-based): chr19:10,364,853, G>C on the plus strand (C>G on the coding strand, the complement: TYK2 is on the minus strand). VCF-style: chr19-10364853-G-C. GRCh37 (hg19) VCF-style: chr19-10475529-G-C.
Other names: short protein forms L403V.
Identifiers: ClinVar variation 851330 (VCV000851330.8), dbSNP rs774318353, ClinGen allele CA9193505.